The following is an entry in ClinVar:

NM_025137.4(SPG11):c.2808G>T (p.Arg936Ser)

Gene: SPG11 (SPG11 vesicle trafficking associated, spatacsin; minus strand). Cytogenetic location: 15q21.1.
Variant type: single nucleotide variant.
Coding change: c.2808G>T on transcript NM_025137.4 (MANE Select); coding-DNA position 2808, G replaced by T.
Protein change: p.Arg936Ser; replaces arginine 936 with serine.
Molecular consequence: missense variant.
Genome position (GRCh38, 1-based): chr15:44,620,216, C>A on the plus strand (G>T on the coding strand, the complement: SPG11 is on the minus strand). VCF-style: chr15-44620216-C-A. GRCh37 (hg19) VCF-style: chr15-44912414-C-A.
Other names: c.2808G>T, p.Arg936Ser (NM_001160227.2); short protein forms R936S.
Identifiers: ClinVar variation 939051 (VCV000939051.9), dbSNP rs2083702773, ClinGen allele CA392230571.
Genomic context (GRCh38, chr15:44,620,216, plus strand): 5'-TTCCCATTGGGTATTAGTTCAACAGTTATAATACCTGGCCAGCTTATCTAAAATTTCATT[C>A]CTCATGTAGTTGTTACAGGAAGTATTCTGGTTAATAACATCAACAGTCAGAAGGGGCCAT-3'
Protein context (NP_079413.3, residues 926-946): NQNTSCNNYM[Arg936Ser]NEILDKLARN

ClinVar aggregate classification (germline): Uncertain significance (1 of 4 stars; one submission).

Conditions:
Hereditary spastic paraplegia 11. Also called: SPASTIC PARAPLEGIA, AUTOSOMAL RECESSIVE, COMPLICATED, WITH THIN CORPUS CALLOSUM; SPASTIC PARAPLEGIA, AUTOSOMAL RECESSIVE, WITH MENTAL IMPAIRMENT AND THIN CORPUS CALLOSUM; Spastic paraplegia, mental retardation and thin corpus callosum; Nakamura Osame syndrome; Autosomal recessive hereditary spastic paraplegia, mental impairment, and thin corpus callosum; Spastic Paraplegia 11. Identifiers: Orphanet 2822, MedGen C1858479, MONDO:0011445, OMIM 604360.

Allele frequency attached by ClinVar (database versions not stated): gnomAD exomes below 0.00001.
gnomAD v4.1: 1 of 1,613,926 alleles (0.000062%); highest among the groups gnomAD compares: Non-Finnish European, 0.000085%; no homozygotes.

Submission:

Labcorp Genetics (formerly Invitae), Labcorp
Classification: Uncertain significance for Hereditary spastic paraplegia 11. Last evaluated: 2021-02-24. Review status: criteria provided, single submitter. Criteria: Invitae Variant Classification Sherloc (09022015). Collection method: clinical testing. Allele origin: germline.
Comment: Algorithms developed to predict the effect of missense changes on protein structure and function are either unavailable or do not agree on the potential impact of this missense change (SIFT: "Deleterious"; PolyPhen-2: "Possibly Damaging"; Align-GVGD: "Class C15"). In summary, the available evidence is currently insufficient to determine the role of this variant in disease. Therefore, it has been classified as a Variant of Uncertain Significance. This sequence change replaces arginine with serine at codon 936 of the SPG11 protein (p.Arg936Ser). The arginine residue is highly conserved and there is a moderate physicochemical difference between arginine and serine. This variant is not present in population databases (ExAC no frequency). This variant has not been reported in the literature in individuals with SPG11-related conditions.